The following is an entry in ClinVar:

NM_020702.5(MYORG):c.1376C>T (p.Ser459Phe)

Gene: MYORG (myogenesis regulating glycosidase; minus strand). Cytogenetic location: 9p13.3.
Variant type: single nucleotide variant.
Coding change: c.1376C>T on transcript NM_020702.5 (MANE Select); coding-DNA position 1376, C replaced by T.
Protein change: p.Ser459Phe; replaces serine 459 with phenylalanine.
Molecular consequence: missense variant.
Genome position (GRCh38, 1-based): chr9:34,371,568, G>A on the plus strand (C>T on the coding strand, the complement: MYORG is on the minus strand). VCF-style: chr9-34371568-G-A. GRCh37 (hg19) VCF-style: chr9-34371566-G-A.
Other names: c.1376C>T (NM_020702.3); short protein forms S459F.
Identifiers: ClinVar variation 1681300 (VCV001681300.8), dbSNP rs777733339, ClinGen allele CA5032940.

ClinVar aggregate classification (germline): Uncertain significance. Review status: criteria provided, multiple submitters, no conflicts (2 of 4 stars). 2 submissions from 2 submitters: Uncertain significance (2). Last evaluated 2025-08-29.

Allele frequency attached by ClinVar (database versions not stated): TOPMed below 0.00001; gnomAD exomes 0.00002 and 0.00004; ExAC 0.00004.

Submissions (2):

Ambry Genetics
Classification: Uncertain significance. Last evaluated: 2025-08-29. Review status: criteria provided, single submitter. Criteria: Ambry Variant Classification Scheme 2023. Collection method: clinical testing. Allele origin: germline.

Labcorp Genetics (formerly Invitae), Labcorp
Classification: Uncertain significance. Last evaluated: 2024-10-16. Review status: criteria provided, single submitter. Criteria: Invitae Variant Classification Sherloc (09022015). Collection method: clinical testing. Allele origin: germline.
Comment: This sequence change replaces serine, which is neutral and polar, with phenylalanine, which is neutral and non-polar, at codon 459 of the KIAA1161 protein (p.Ser459Phe). This variant is present in population databases (rs777733339, gnomAD 0.006%). This variant has not been reported in the literature in individuals affected with KIAA1161-related conditions. ClinVar contains an entry for this variant (Variation ID: 1681300). Invitae Evidence Modeling of protein sequence and biophysical properties (such as structural, functional, and spatial information, amino acid conservation, physicochemical variation, residue mobility, and thermodynamic stability) has been performed for this missense variant. However, the output from this modeling did not meet the statistical confidence thresholds required to predict the impact of this variant on KIAA1161 protein function. In summary, the available evidence is currently insufficient to determine the role of this variant in disease. Therefore, it has been classified as a Variant of Uncertain Significance.